The following is an entry in ClinVar:

NM_014727.3(KMT2B):c.3805G>A (p.Glu1269Lys)

Gene: KMT2B (lysine methyltransferase 2B; plus strand). Cytogenetic location: 19q13.12.
Variant type: single nucleotide variant.
Coding change: c.3805G>A on transcript NM_014727.3 (MANE Select); coding-DNA position 3805, G replaced by A.
Protein change: p.Glu1269Lys; replaces glutamic acid 1269 with lysine.
Molecular consequence: missense variant.
Genome position (GRCh38, 1-based): chr19:35,725,738, G>A. VCF-style: chr19-35725738-G-A. GRCh37 (hg19) VCF-style: chr19-36216639-G-A.
Other names: short protein forms E1269K.
Identifiers: ClinVar variation 1360218 (VCV001360218.8), dbSNP rs770120166, ClinGen allele CA9384880.

ClinVar aggregate classification (germline): Uncertain significance (1 of 4 stars; one submission).

Allele frequency attached by ClinVar (database versions not stated): gnomAD 0.00001; gnomAD exomes 0.00001 and 0.00002; TOPMed 0.00002; ExAC 0.00005.
gnomAD v4.1: 15 of 1,607,580 alleles (0.00093%); highest among the groups gnomAD compares: African/African-American, 0.0013%; no homozygotes.

Submission:

Labcorp Genetics (formerly Invitae), Labcorp
Classification: Uncertain significance. Last evaluated: 2021-06-13. Review status: criteria provided, single submitter. Criteria: Invitae Variant Classification Sherloc (09022015). Collection method: clinical testing. Allele origin: germline.
Comment: This sequence change replaces glutamic acid with lysine at codon 1269 of the KMT2B protein (p.Glu1269Lys). The glutamic acid residue is moderately conserved and there is a small physicochemical difference between glutamic acid and lysine. This variant is present in population databases (rs770120166, ExAC 0.01%). This variant has not been reported in the literature in individuals with KMT2B-related conditions. Algorithms developed to predict the effect of missense changes on protein structure and function are either unavailable or do not agree on the potential impact of this missense change (SIFT: "Deleterious"; PolyPhen-2: "Not Available"; Align-GVGD: "Class C0"). In summary, the available evidence is currently insufficient to determine the role of this variant in disease. Therefore, it has been classified as a Variant of Uncertain Significance.